The following is an entry in ClinVar:

ClinVar aggregate classification (germline): Uncertain significance (1 of 4 stars; one submission).

Conditions:
Juvenile polyposis syndrome (JPS). Identifiers: Orphanet 2929, MedGen C0345893, MONDO:0017380, OMIM 174900.

Submission:

Labcorp Genetics (formerly Invitae), Labcorp
Classification: Uncertain significance for Juvenile polyposis syndrome. Last evaluated: 2023-04-23. Review status: criteria provided, single submitter. Criteria: Invitae Variant Classification Sherloc (09022015). Collection method: clinical testing. Allele origin: germline.
Comment: In summary, the available evidence is currently insufficient to determine the role of this variant in disease. Therefore, it has been classified as a Variant of Uncertain Significance. Advanced modeling of protein sequence and biophysical properties (such as structural, functional, and spatial information, amino acid conservation, physicochemical variation, residue mobility, and thermodynamic stability) has been performed at Invitae for this missense variant, however the output from this modeling did not meet the statistical confidence thresholds required to predict the impact of this variant on BMPR1A protein function. This variant has not been reported in the literature in individuals affected with BMPR1A-related conditions. This variant is not present in population databases (gnomAD no frequency). This sequence change replaces serine, which is neutral and polar, with proline, which is neutral and non-polar, at codon 205 of the BMPR1A protein (p.Ser205Pro).

NM_004329.3(BMPR1A):c.613T>C (p.Ser205Pro)

Gene: BMPR1A (bone morphogenetic protein receptor type 1A; plus strand). Cytogenetic location: 10q23.2.
Variant type: single nucleotide variant.
Coding change: c.613T>C on transcript NM_004329.3 (MANE Select); coding-DNA position 613, T replaced by C.
Protein change: p.Ser205Pro; replaces serine 205 with proline.
Molecular consequence: missense variant. On other transcripts: non-coding transcript variant (3), intron variant (1).
Genome position (GRCh38, 1-based): chr10:86,912,322, T>C. VCF-style: chr10-86912322-T-C. GRCh37 (hg19) VCF-style: chr10-88672079-T-C.
Other names: c.688T>C, p.Ser230Pro (NM_001406559.1); c.661T>C, p.Ser221Pro (NM_001406560.1); c.613T>C, p.Ser205Pro (NM_001406561.1, NM_001406562.1, NM_001406563.1 and 20 more transcripts); c.529T>C, p.Ser177Pro (NM_001406584.1, NM_001406585.1, NM_001406586.1 and 2 more transcripts); c.334-4812T>C (NM_001406589.1); short protein forms S205P, S177P, S221P, S230P.
Identifiers: ClinVar variation 2858496 (VCV002858496.3), dbSNP rs2539573485, ClinGen allele CA377454780.